The following is an entry in ClinVar:

NM_006648.4(WNK2):c.4894C>G (p.Arg1632Gly)

Gene: WNK2 (WNK lysine deficient protein kinase 2; plus strand). Cytogenetic location: 9q22.31.
Variant type: single nucleotide variant.
Coding change: c.4894C>G on transcript NM_006648.4 (MANE Select); coding-DNA position 4894, C replaced by G.
Protein change: p.Arg1632Gly; replaces arginine 1632 with glycine.
Molecular consequence: missense variant.
Genome position (GRCh38, 1-based): chr9:93,290,005, C>G. VCF-style: chr9-93290005-C-G. GRCh37 (hg19) VCF-style: chr9-96052287-C-G.
Other names: c.5005C>G, p.Arg1669Gly (NM_001282394.3); short protein forms R1632G, R1669G.
Identifiers: ClinVar variation 4866615 (VCV004866615.1).
Genomic context (GRCh38, chr9:93,290,005, plus strand): 5'-ACGGCTCTTCTCTTTTTGTGTTTCTTTCTCCAGGTGGAGAAGTCAGAACTGGCCCCCACT[C>G]GAGGGGCCGTGATGGAGCAGGGCACGTCCTCGTCAATGACAGGTAACAGCTTCCTGCTGA-3'
Protein context (NP_006639.3, residues 1622-1642): LVEKSELAPT[Arg1632Gly]GAVMEQGTSS

ClinVar aggregate classification (germline): Uncertain significance (1 of 4 stars; one submission).

Submission:

Ambry Genetics
Classification: Uncertain significance. Last evaluated: 2026-04-22. Review status: criteria provided, single submitter. Criteria: Ambry Variant Classification Scheme 2023. Collection method: clinical testing. Allele origin: germline.
Comment: The p.R1632G variant (also known as c.4894C>G), located in coding exon 20 of the WNK2 gene, results from a C to G substitution at nucleotide position 4894. The arginine at codon 1632 is replaced by glycine, an amino acid with dissimilar properties. This amino acid position is conserved. In addition, this alteration is predicted to be tolerated by in silico analysis. Based on the available evidence, the clinical significance of this variant remains unclear.